The following is an entry in ClinVar:

NM_033641.4(COL4A6):c.3637A>G (p.Ile1213Val)

Gene: COL4A6 (collagen type IV alpha 6 chain; minus strand). Cytogenetic location: Xq22.3.
Variant type: single nucleotide variant.
Coding change: c.3637A>G on transcript NM_033641.4 (MANE Select); coding-DNA position 3637, A replaced by G.
Protein change: p.Ile1213Val; replaces isoleucine 1213 with valine.
Molecular consequence: missense variant.
Genome position (GRCh38, 1-based): chrX:108,169,549, T>C on the plus strand (A>G on the coding strand, the complement: COL4A6 is on the minus strand). VCF-style: chrX-108169549-T-C. GRCh37 (hg19) VCF-style: chrX-107412779-T-C.
Other names: c.3688A>G, p.Ile1230Val (NM_001287758.2); c.3565A>G, p.Ile1189Val (NM_001287759.2, NM_001287760.2); c.3640A>G, p.Ile1214Val (NM_001847.4); short protein forms I1213V, I1189V, I1214V, I1230V.
Identifiers: ClinVar variation 2721247 (VCV002721247.3), dbSNP rs753895195, ClinGen allele CA10487378.
Genomic context (GRCh38, chrX:108,169,549, plus strand): 5'-ACTCACCTCGATCACCTTTTTGCCCTCTCAGGCCCGGCTTCCCTGGAGCTCCGATGCCAA[T>C]TCCTGGATATCCTTTTTCTCCTTTGGGTCCAGGGAGACCAGCAGGCCCAGGCACACCGGT-3'
Protein context (NP_378667.1, residues 1203-1223): GPKGEKGYPG[Ile1213Val]GIGAPGKPGL

ClinVar aggregate classification (germline): Uncertain significance (1 of 4 stars; one submission).

Allele frequency attached by ClinVar (database versions not stated): ExAC 0.00001; gnomAD exomes below 0.00001.
gnomAD v4.1: 2 of 1,211,594 alleles (0.00017%); highest among the groups gnomAD compares: Admixed American, 0.0043%; no homozygotes.

Submission:

Labcorp Genetics (formerly Invitae), Labcorp
Classification: Uncertain significance. Last evaluated: 2025-12-01. Review status: criteria provided, single submitter. Criteria: Invitae Variant Classification Sherloc (09022015). Collection method: clinical testing. Allele origin: germline.
Comment: This sequence change replaces isoleucine, which is neutral and non-polar, with valine, which is neutral and non-polar, at codon 1214 of the COL4A6 protein (p.Ile1214Val). This variant is present in population databases (rs753895195, gnomAD 0.008%). This variant has not been reported in the literature in individuals affected with COL4A6-related conditions. ClinVar contains an entry for this variant (Variation ID: 2721247). Invitae Evidence Modeling of protein sequence and biophysical properties (such as structural, functional, and spatial information, amino acid conservation, physicochemical variation, residue mobility, and thermodynamic stability) indicates that this missense variant is not expected to disrupt COL4A6 protein function with a negative predictive value of 80%. In summary, the available evidence is currently insufficient to determine the role of this variant in disease. Therefore, it has been classified as a Variant of Uncertain Significance.